The following is an entry in ClinVar:

ClinVar aggregate classification (germline): Likely benign. Review status: criteria provided, single submitter (1 of 4 stars). 2 submissions from 2 submitters: Likely benign (1). 1 of the submissions does not count toward it. Last evaluated 2026-03-01.

Conditions:
GNAS-related disorder. Identifiers: MedGen CN380105.

Submissions (2):

CeGaT Center for Human Genetics Tuebingen
Classification: Likely benign. Last evaluated: 2026-03-01. Review status: criteria provided, single submitter. Criteria: CeGaT Center For Human Genetics Tuebingen Variant Classification Criteria Version 2. Collection method: clinical testing. Allele origin: germline. Affected: yes. Observed: 1 variant allele.
Comment: GNAS: BP4

PreventionGenetics, part of Exact Sciences
Classification: Likely benign for GNAS-related condition. Last evaluated: 2019-10-18. Review status: no assertion criteria provided. Collection method: clinical testing. Allele origin: germline. Not counted in ClinVar's aggregate classification.
Comment: This variant is classified as likely benign based on ACMG/AMP sequence variant interpretation guidelines (Richards et al. 2015 PMID: 25741868, with internal and published modifications).

NM_000516.7(GNAS):c.-18GCC[4]

Gene: GNAS (GNAS complex locus; plus strand). Cytogenetic location: 20q13.32.
Variant type: Microsatellite.
Coding change: c.-18GCC[4] on transcript NM_000516.7 (MANE Select); four copies in a row of the 3-base unit GCC starting at c.-18; the reference has six copies in a row; two copies, 6 bases deleted.
Molecular consequence: 5 prime UTR variant. On other transcripts: intron variant (8).
Genome position (GRCh38, 1-based): chr20:58,891,721-58,891,726, GCCGCC deleted; deleting any 6 consecutive bases within chr20:58,891,707-58,891,726 gives the same sequence; the position shown is the placement nearest the transcript's 3' end. VCF-style (leftmost placement, unchanged base first): chr20-58891706-CCCGCCG-C. GRCh37 (hg19) VCF-style: chr20-57466761-CCCGCCG-C.
Other names: c.-18GCC[4] (NM_001077488.5, NM_001077489.4, NM_001309842.2 and 1 more transcripts); c.*43-3905CCG[4] (NM_016592.5); c.44-3905CCG[4] (NM_001410912.1); c.-38-3905CCG[4] (NM_001309861.2); c.*1-3905CCG[4] (NM_001077490.3); c.2069-3905CCG[4] (NM_080425.4, NM_001410913.1); c.*159-3905CCG[4] (NM_001309883.1); c.-39+2354CCG[4] (NM_001309840.2).
Identifiers: ClinVar variation 3039194 (VCV003039194.6), dbSNP rs745433225, ClinGen allele CA9926859.
Genomic context (GRCh38, chr20:58,891,706, plus strand): 5'-CCGGCCCTCCCGGCCCGCGTGAGGCCGCCCGCGCCCGCCGCCGCCGCAGCCCGGCCGCGC[CCCGCCG>C]CCGCCGCCGCCGCCATGGGCTGCCTCGGGAACAGTAAGACCGAGGACCAGCGCAACGAGG-3'